The following is an entry in ClinVar:

NM_014915.3(ANKRD26):c.1451T>C (p.Val484Ala)

Gene: ANKRD26 (ankyrin repeat domain 26; minus strand). Cytogenetic location: 10p12.1.
Variant type: single nucleotide variant.
Coding change: c.1451T>C on transcript NM_014915.3 (MANE Select); coding-DNA position 1451, T replaced by C.
Protein change: p.Val484Ala; replaces valine 484 with alanine.
Molecular consequence: missense variant.
Genome position (GRCh38, 1-based): chr10:27,061,155, A>G on the plus strand (T>C on the coding strand, the complement: ANKRD26 is on the minus strand). VCF-style: chr10-27061155-A-G. GRCh37 (hg19) VCF-style: chr10-27350084-A-G.
Other names: c.1451T>C, p.Val484Ala (NM_001256053.2); short protein forms V484A.
Identifiers: ClinVar variation 714308 (VCV000714308.42), dbSNP rs201461870, ClinGen allele CA5448551.

ClinVar aggregate classification (germline): Conflicting classifications of pathogenicity. Review status: criteria provided, conflicting classifications (1 of 4 stars). 7 submissions from 7 submitters: Uncertain significance (1); Benign (2); Likely benign (4). Last evaluated 2026-01-05.

Conditions:
Thrombocytopenia 2 (THC2). Also called: ANKRD26-Related Thrombocytopenia. Identifiers: Orphanet 268322, MedGen C1861185, MONDO:0008555, OMIM 188000.

Allele frequency attached by ClinVar (database versions not stated): 1000 Genomes Project 30x 0.00016; 1000 Genomes Project 0.00020; TOPMed 0.00038; ESP Exome Variant Server 0.00050; gnomAD exomes 0.00067 and 0.00097; gnomAD 0.00080 and 0.00085; ExAC 0.00107.
gnomAD v4.1: 1,087 of 1,608,864 alleles (0.068%); highest among the groups gnomAD compares: Non-Finnish European, 0.072%; 3 homozygotes.

Submissions (7):

Labcorp Genetics (formerly Invitae), Labcorp
Classification: Likely benign. Last evaluated: 2026-01-05. Review status: criteria provided, single submitter. Criteria: Invitae Variant Classification Sherloc (09022015). Collection method: clinical testing. Allele origin: germline.

Laboratory of Genetics, Children's Clinical University Hospital Latvia
Classification: Likely benign. Last evaluated: 2025-02-16. Review status: criteria provided, single submitter. Criteria: ACMG Guidelines, 2015. Collection method: clinical testing. Allele origin: germline. Affected: yes.

ARUP Laboratories, Molecular Genetics and Genomics, ARUP Laboratories
Classification: Likely benign for Thrombocytopenia 2. Last evaluated: 2025-01-23. Review status: criteria provided, single submitter. Criteria: ARUP Molecular Germline Variant Investigation Process 2024. Collection method: clinical testing. Allele origin: germline.

Blueprint Genetics
Classification: Likely benign. Last evaluated: 2024-11-19. Review status: criteria provided, single submitter. Criteria: ACMG Guidelines, 2015. Collection method: clinical testing. Allele origin: germline.

CeGaT Center for Human Genetics Tuebingen
Classification: Benign. Last evaluated: 2023-03-01. Review status: criteria provided, single submitter. Criteria: CeGaT Center For Human Genetics Tuebingen Variant Classification Criteria Version 2. Collection method: clinical testing. Allele origin: germline. Affected: yes. Observed: 1 variant allele.
Comment: ANKRD26: BP4, BS1, BS2

Genetic Services Laboratory, University of Chicago
Classification: Uncertain significance. Last evaluated: 2019-01-15. Review status: criteria provided, single submitter. Criteria: ACMG Guidelines, 2015. Collection method: clinical testing. Allele origin: germline. Affected: no.

Illumina Laboratory Services, Illumina
Classification: Benign for Thrombocytopenia 2. Last evaluated: 2018-01-19. Review status: criteria provided, single submitter. Criteria: ICSL Variant Classification Criteria 13 December 2019. Collection method: clinical testing. Allele origin: germline.
Comment: This variant was observed as part of a predisposition screen in an ostensibly healthy population. A literature search was performed for the gene, cDNA change, and amino acid change (where applicable). Publications were found based on this search. The evidence from the literature, in combination with allele frequency data from public databases where available, was sufficient to rule this variant out of causing disease. Therefore, this variant is classified as benign.

Literature cited by the submitters: PubMed 29185836 (cited by Illumina Laboratory Services, Illumina).